The following is an entry in ClinVar:

ClinVar aggregate classification (germline): Uncertain significance (1 of 4 stars; one submission).

Conditions:
Hereditary cancer-predisposing syndrome. Also called: Tumor predisposition; Hereditary neoplastic syndrome; Neoplastic Syndromes, Hereditary; Hereditary Cancer Syndrome. Identifiers: Orphanet 140162, MedGen C0027672, MeSH D009386, MONDO:0015356.

Allele frequency attached by ClinVar (database versions not stated): gnomAD exomes below 0.00001.
gnomAD v4.1: 1 of 1,602,034 alleles (0.000062%); highest among the groups gnomAD compares: Non-Finnish European, 0.000085%; no homozygotes.

Submission:

Ambry Genetics
Classification: Uncertain significance for Hereditary cancer-predisposing syndrome. Last evaluated: 2019-10-30. Review status: criteria provided, single submitter. Criteria: Ambry Variant Classification Scheme 2023. Collection method: clinical testing. Allele origin: germline.
Comment: The p.I334V variant (also known as c.1000A>G), located in coding exon 10 of the PMS2 gene, results from an A to G substitution at nucleotide position 1000. The isoleucine at codon 334 is replaced by valine, an amino acid with highly similar properties. This amino acid position is not well conserved in available vertebrate species. In addition, this alteration is predicted to be tolerated by in silico analysis. Since supporting evidence is limited at this time, the clinical significance of this alteration remains unclear.

NM_000535.7(PMS2):c.1000A>G (p.Ile334Val)

Gene: PMS2 (PMS1 homolog 2, mismatch repair system component; minus strand). Cytogenetic location: 7p22.1.
Variant type: single nucleotide variant.
Coding change: c.1000A>G on transcript NM_000535.7 (MANE Select); coding-DNA position 1000, A replaced by G.
Protein change: p.Ile334Val; replaces isoleucine 334 with valine.
Molecular consequence: missense variant. On other transcripts: non-coding transcript variant (1), intron variant (2).
Genome position (GRCh38, 1-based): chr7:5,989,944, T>C on the plus strand (A>G on the coding strand, the complement: PMS2 is on the minus strand). VCF-style: chr7-5989944-T-C. GRCh37 (hg19) VCF-style: chr7-6029575-T-C.
Other names: c.595A>G, p.Ile199Val (NM_001322003.2, NM_001322004.2, NM_001322005.2 and 1 more transcripts); c.682A>G, p.Ile228Val (NM_001322007.2, NM_001322008.2); c.67A>G, p.Ile23Val (NM_001322011.2, NM_001322012.2); c.427A>G, p.Ile143Val (NM_001322013.2); c.1000A>G, p.Ile334Val (NM_001322014.2); c.691A>G, p.Ile231Val (NM_001322015.2); c.583+2029A>G (NM_001322010.2); c.988+2029A>G (NM_001322006.2); short protein forms I334V, I143V, I199V, I228V, I231V, I23V.
Identifiers: ClinVar variation 818244 (VCV000818244.4), dbSNP rs1448106115, ClinGen allele CA366743017.